The following is an entry in ClinVar:

ClinVar aggregate classification (germline): Uncertain significance (1 of 4 stars; one submission).

Conditions:
EPB41-related disorder. Also called: EPB41-related condition.

gnomAD v4.1: 4 of 1,614,078 alleles (0.00025%); highest among the groups gnomAD compares: Non-Finnish European, 0.00034%; no homozygotes.

Submission:

PreventionGenetics, part of Exact Sciences
Classification: Uncertain significance for EPB41-related condition. Last evaluated: 2025-07-14. Review status: criteria provided, single submitter. Criteria: ACMG Guidelines, 2015. Collection method: clinical testing. Allele origin: germline.
Comment: The EPB41 c.1731G>A variant is not predicted to result in an amino acid change (p.=). This variant is predicted to alter splicing based on available splicing prediction programs (SpliceAI, Jaganathan et al. 2019. PubMed ID: 30661751). However, the use of computer prediction programs is not equivalent to functional evidence. To our knowledge, this variant has not been reported in the literature. This variant is reported in 0.00088% of alleles in individuals of European (Non-Finnish) descent in gnomAD. At this time, the clinical significance of this variant is uncertain due to the absence of conclusive functional and genetic evidence.

NM_001376013.1(EPB41):c.2559G>A (p.Val853=)

Gene: EPB41 (erythrocyte membrane protein band 4.1; plus strand). Cytogenetic location: 1p35.3.
Variant type: single nucleotide variant.
Coding change: c.2559G>A on transcript NM_001376013.1 (MANE Select); coding-DNA position 2559, G replaced by A.
Protein change: p.Val853=; no amino-acid change (valine 853 retained).
Molecular consequence: synonymous variant.
Genome position (GRCh38, 1-based): chr1:29,115,761, G>A. VCF-style: chr1-29115761-G-A. GRCh37 (hg19) VCF-style: chr1-29442273-G-A.
Other names: c.2559G>A, p.Val853= (NM_001166005.2); c.1770G>A, p.Val590= (NM_001166007.2); c.2490G>A, p.Val830= (NM_001376014.1); c.2454G>A, p.Val818= (NM_001376015.1); c.1932G>A, p.Val644= (NM_001376022.1); c.1731G>A, p.Val577= (NM_004437.4); c.1890G>A, p.Val630= (NM_203342.3); c.2292G>A, p.Val764= (NM_203343.3).
Identifiers: ClinVar variation 5001435 (VCV005001435.1).